The following is an entry in ClinVar:

NM_001414.4(EIF2B1):c.622A>T (p.Asn208Tyr)

Gene: EIF2B1 (eukaryotic translation initiation factor 2B subunit alpha; minus strand). Cytogenetic location: 12q24.31.
Variant type: single nucleotide variant.
Coding change: c.622A>T on transcript NM_001414.4 (MANE Select); coding-DNA position 622, A replaced by T.
Protein change: p.Asn208Tyr; replaces asparagine 208 with tyrosine.
Molecular consequence: missense variant.
Genome position (GRCh38, 1-based): chr12:123,624,792, T>A on the plus strand (A>T on the coding strand, the complement: EIF2B1 is on the minus strand). VCF-style: chr12-123624792-T-A. GRCh37 (hg19) VCF-style: chr12-124109339-T-A.
Other names: short protein forms N208Y.
Identifiers: ClinVar variation 4124 (VCV000004124.5), dbSNP rs113994007, ClinGen allele CA340166.

ClinVar aggregate classification (germline): Uncertain significance. Review status: criteria provided, single submitter (1 of 4 stars). 2 submissions from 2 submitters: Uncertain significance (1). 1 of the submissions does not count toward it. Last evaluated 2021-08-19.

Conditions:
Vanishing white matter disease. Also called: Childhood ataxia with diffuse central nervous system hypomyelination; Leukoencephalopathy with vanishing white matter; CACH/VWM syndrome; Cree leukoencehalopathy; CACH syndrome. Identifiers: Orphanet 135, Orphanet 99853, MedGen C1858991, MONDO:0800448.

Allele frequency attached by ClinVar (database versions not stated): ExAC 0.00001; gnomAD 0.00001; gnomAD exomes 0.00001; TOPMed 0.00001.

Submissions (2):

Labcorp Genetics (formerly Invitae), Labcorp
Classification: Uncertain significance. Last evaluated: 2021-08-19. Review status: criteria provided, single submitter. Criteria: Invitae Variant Classification Sherloc (09022015). Collection method: clinical testing. Allele origin: germline.
Comment: This sequence change replaces asparagine with tyrosine at codon 208 of the EIF2B1 protein (p.Asn208Tyr). The asparagine residue is highly conserved and there is a large physicochemical difference between asparagine and tyrosine. This variant is present in population databases (rs113994007, ExAC 0.009%). This missense change has been observed in individual(s) with leukoencephalopathy with vanishing white matter (PMID: 11835386). ClinVar contains an entry for this variant (Variation ID: 4124). Algorithms developed to predict the effect of missense changes on protein structure and function (SIFT, PolyPhen-2, Align-GVGD) all suggest that this variant is likely to be disruptive. Experimental studies have shown that this missense change affects EIF2B1 function (PMID: 26285592). In summary, the available evidence is currently insufficient to determine the role of this variant in disease. Therefore, it has been classified as a Variant of Uncertain Significance.

OMIM
Classification: Pathogenic for LEUKOENCEPHALOPATHY WITH VANISHING WHITE MATTER 1. Last evaluated: 2015-08-19. Review status: no assertion criteria provided. Collection method: literature only. Allele origin: germline. Not counted in ClinVar's aggregate classification.

Literature cited by the submitters: PubMed 11835386 (cited by Labcorp Genetics (formerly Invitae), Labcorp and OMIM); PubMed 26285592 (cited by Labcorp Genetics (formerly Invitae), Labcorp and OMIM).